The following is an entry in ClinVar:

ClinVar aggregate classification (germline): Uncertain significance. Review status: criteria provided, multiple submitters, no conflicts (2 of 4 stars). 2 submissions from 2 submitters: Uncertain significance (2). Last evaluated 2024-11-05.

Allele frequency attached by ClinVar (database versions not stated): gnomAD exomes below 0.00001.

Submissions (2):

Labcorp Genetics (formerly Invitae), Labcorp
Classification: Uncertain significance. Last evaluated: 2024-11-05. Review status: criteria provided, single submitter. Criteria: Invitae Variant Classification Sherloc (09022015). Collection method: clinical testing. Allele origin: germline.
Comment: This sequence change replaces glycine, which is neutral and non-polar, with arginine, which is basic and polar, at codon 32 of the EFEMP1 protein (p.Gly32Arg). This variant is not present in population databases (gnomAD no frequency). This variant has not been reported in the literature in individuals affected with EFEMP1-related conditions. ClinVar contains an entry for this variant (Variation ID: 1352653). Invitae Evidence Modeling of protein sequence and biophysical properties (such as structural, functional, and spatial information, amino acid conservation, physicochemical variation, residue mobility, and thermodynamic stability) has been performed for this missense variant. However, the output from this modeling did not meet the statistical confidence thresholds required to predict the impact of this variant on EFEMP1 protein function. In summary, the available evidence is currently insufficient to determine the role of this variant in disease. Therefore, it has been classified as a Variant of Uncertain Significance.

Blueprint Genetics
Classification: Uncertain significance. Last evaluated: 2022-07-06. Review status: criteria provided, single submitter. Criteria: ACMG Guidelines, 2015. Collection method: clinical testing. Allele origin: germline.

NM_001039348.3(EFEMP1):c.94G>A (p.Gly32Arg)

Gene: EFEMP1 (EGF-like fibulin extracellular matrix protein 1; minus strand). Cytogenetic location: 2p16.1.
Variant type: single nucleotide variant.
Coding change: c.94G>A on transcript NM_001039348.3 (MANE Select); coding-DNA position 94, G replaced by A.
Protein change: p.Gly32Arg; replaces glycine 32 with arginine.
Molecular consequence: missense variant.
Genome position (GRCh38, 1-based): chr2:55,918,255, C>T on the plus strand (G>A on the coding strand, the complement: EFEMP1 is on the minus strand). VCF-style: chr2-55918255-C-T. GRCh37 (hg19) VCF-style: chr2-56145390-C-T.
Other names: c.94G>A, p.Gly32Arg (NM_001039349.3); short protein forms G32R.
Identifiers: ClinVar variation 1352653 (VCV001352653.7), dbSNP rs2104453306, ClinGen allele CA347027231.
Genomic context (GRCh38, chr2:55,918,255, plus strand): 5'-TGGAAGTCTTTGAAGCTGGCTCACCTTTGCATTGCTGTCTCACAGGATCCCACTCATATC[C>T]GTCAGTGCATTGCTGTGAAGAAAACATCAAAGGTGGGGCCAGGAGACAGTTAATTGGTGT-3'
Protein context (NP_001034437.1, residues 22-42): ETITYTQCTD[Gly32Arg]YEWDPVRQQC